The following is an entry in ClinVar:

NM_005245.4(FAT1):c.13651G>A (p.Ala4551Thr)

Genes: FAT1 (FAT atypical cadherin 1; minus strand), LOC126807253 (BRD4-independent group 4 enhancer GRCh37_chr4:187509297-187510496; plus strand). Cytogenetic location: 4q35.2.
Variant type: single nucleotide variant.
Coding change: c.13651G>A on transcript NM_005245.4 (MANE Select); coding-DNA position 13651, G replaced by A.
Protein change: p.Ala4551Thr; replaces alanine 4551 with threonine.
Molecular consequence: missense variant.
Genome position (GRCh38, 1-based): chr4:186,588,708, C>T on the plus strand (G>A on the coding strand, the complement: FAT1 is on the minus strand). VCF-style: chr4-186588708-C-T. GRCh37 (hg19) VCF-style: chr4-187509862-C-T.
Other names: c.13651G>A, p.Ala4551Thr (NM_001440455.1); c.13687G>A, p.Ala4563Thr (NM_001440456.1, NM_001440457.1); short protein forms A4551T, A4563T.
Identifiers: ClinVar variation 5036946 (VCV005036946.1).

ClinVar aggregate classification (germline): Uncertain significance (1 of 4 stars; one submission).

gnomAD v4.1: 46 of 1,613,858 alleles (0.0029%); highest among the groups gnomAD compares: Non-Finnish European, 0.0036%; no homozygotes.

Submission:

GeneDx
Classification: Uncertain significance. Last evaluated: 2026-04-07. Review status: criteria provided, single submitter. Criteria: GeneDx Variant Classification Process June 2021. Collection method: clinical testing. Allele origin: germline.
Comment: Not observed at significant frequency in large population cohorts (gnomAD); In silico analysis suggests that this missense variant does not alter protein structure/function; Has not been previously published as pathogenic or benign to our knowledge